The following is an entry in ClinVar:

ClinVar aggregate classification (germline): Uncertain significance (1 of 4 stars; one submission).

Conditions:
Inborn genetic diseases. Identifiers: MedGen C0950123, MeSH D030342.

gnomAD v4.1: 1 of 1,614,162 alleles (0.000062%); highest among the groups gnomAD compares: Non-Finnish European, 0.000085%; no homozygotes.

Submission:

Ambry Genetics
Classification: Uncertain significance for Inborn genetic diseases. Last evaluated: 2025-03-05. Review status: criteria provided, single submitter. Criteria: Ambry Variant Classification Scheme 2023. Collection method: clinical testing. Allele origin: germline.
Comment: The p.P457S variant (also known as c.1369C>T), located in coding exon 10 of the DNMT3A gene, results from a C to T substitution at nucleotide position 1369. The proline at codon 457 is replaced by serine, an amino acid with similar properties. This amino acid position is conserved. In addition, the in silico prediction for this alteration is inconclusive. Based on the available evidence, the clinical significance of this variant remains unclear.

NM_022552.5(DNMT3A):c.1369C>T (p.Pro457Ser)

Gene: DNMT3A (DNA methyltransferase 3 alpha; minus strand). Cytogenetic location: 2p23.3.
Variant type: single nucleotide variant.
Coding change: c.1369C>T on transcript NM_022552.5 (MANE Select); coding-DNA position 1369, C replaced by T.
Protein change: p.Pro457Ser; replaces proline 457 with serine.
Molecular consequence: missense variant. On other transcripts: non-coding transcript variant (1).
Genome position (GRCh38, 1-based): chr2:25,246,220, G>A on the plus strand (C>T on the coding strand, the complement: DNMT3A is on the minus strand). VCF-style: chr2-25246220-G-A. GRCh37 (hg19) VCF-style: chr2-25469089-G-A.
Other names: c.913C>T, p.Pro305Ser (NM_001320893.1); c.700C>T, p.Pro234Ser (NM_001375819.1); c.802C>T, p.Pro268Ser (NM_153759.3); c.1369C>T, p.Pro457Ser (NM_175629.2); short protein forms P457S, P268S, P305S, P234S.
Identifiers: ClinVar variation 3841809 (VCV003841809.1).